The following is an entry in ClinVar:

ClinVar aggregate classification (germline): Uncertain significance (1 of 4 stars; one submission).

Submission:

Labcorp Genetics (formerly Invitae), Labcorp
Classification: Uncertain significance. Last evaluated: 2023-04-11. Review status: criteria provided, single submitter. Criteria: Invitae Variant Classification Sherloc (09022015). Collection method: clinical testing. Allele origin: germline.
Comment: In summary, the available evidence is currently insufficient to determine the role of this variant in disease. Therefore, it has been classified as a Variant of Uncertain Significance. An algorithm developed to predict the effect of missense changes on protein structure and function (PolyPhen-2) suggests that this variant is likely to be disruptive. This variant has not been reported in the literature in individuals affected with HMCN1-related conditions. This variant is not present in population databases (gnomAD no frequency). This sequence change replaces tyrosine, which is neutral and polar, with aspartic acid, which is acidic and polar, at codon 819 of the HMCN1 protein (p.Tyr819Asp).

NM_031935.3(HMCN1):c.2455T>G (p.Tyr819Asp)

Gene: HMCN1 (hemicentin 1; plus strand). Cytogenetic location: 1q31.1.
Variant type: single nucleotide variant.
Coding change: c.2455T>G on transcript NM_031935.3 (MANE Select); coding-DNA position 2455, T replaced by G.
Protein change: p.Tyr819Asp; replaces tyrosine 819 with aspartic acid.
Molecular consequence: missense variant.
Genome position (GRCh38, 1-based): chr1:185,977,870, T>G. VCF-style: chr1-185977870-T-G. GRCh37 (hg19) VCF-style: chr1-185947002-T-G.
Other names: short protein forms Y819D.
Identifiers: ClinVar variation 2970621 (VCV002970621.3), dbSNP rs2527335085, ClinGen allele CA343883294.